The following is an entry in ClinVar:

NM_000038.6(APC):c.2627G>A (p.Arg876Gln)

Gene: APC (APC regulator of Wnt signaling pathway; plus strand). Cytogenetic location: 5q22.2.
Variant type: single nucleotide variant.
Coding change: c.2627G>A on transcript NM_000038.6 (MANE Select); coding-DNA position 2627, G replaced by A.
Protein change: p.Arg876Gln; replaces arginine 876 with glutamine.
Molecular consequence: missense variant.
Genome position (GRCh38, 1-based): chr5:112,838,221, G>A. VCF-style: chr5-112838221-G-A. GRCh37 (hg19) VCF-style: chr5-112173918-G-A.
Other names: c.2627G>A, p.Arg876Gln (NM_001127510.3, NM_001354895.2); c.2573G>A, p.Arg858Gln (NM_001127511.3); c.2681G>A, p.Arg894Gln (NM_001354896.2); c.2657G>A, p.Arg886Gln (NM_001354897.2); c.2552G>A, p.Arg851Gln (NM_001354898.2); c.2543G>A, p.Arg848Gln (NM_001354899.2); c.2504G>A, p.Arg835Gln (NM_001354900.2); c.2450G>A, p.Arg817Gln (NM_001354901.2); and 5 more; short protein forms R858Q, R876Q, R716Q, R886Q, R750Q, R817Q, R848Q, R851Q.
Identifiers: ClinVar variation 221081 (VCV000221081.78), dbSNP rs373428732, ClinGen allele CA032826.
Genomic context (GRCh38, chr5:112,838,221, plus strand): 5'-GCGGAATTGGTCTAGGCAACTACCATCCAGCAACAGAAAATCCAGGAACTTCTTCAAAGC[G>A]AGGTTTGCAGATCTCCACCACTGCAGCCCAGATTGCCAAAGTCATGGAAGAAGTGTCAGC-3'
Protein context (NP_000029.2, residues 866-886): ATENPGTSSK[Arg876Gln]GLQISTTAAQ

ClinVar aggregate classification (germline): Conflicting classifications of pathogenicity. Review status: criteria provided, conflicting classifications (1 of 4 stars). 15 submissions from 15 submitters: Uncertain significance (11); Benign (1); Likely benign (2). 1 of the submissions does not count toward it. Last evaluated 2026-05-09.

Conditions:
Classic or attenuated familial adenomatous polyposis. Identifiers: MedGen CN372698, MONDO:0021057.
APC-related disorder. Also called: APC-related condition.
Hereditary cancer-predisposing syndrome. Also called: Neoplastic Syndromes, Hereditary; Hereditary Cancer Syndrome; Tumor predisposition; Hereditary neoplastic syndrome. Identifiers: Orphanet 140162, MedGen C0027672, MeSH D009386, MONDO:0015356.
Familial adenomatous polyposis 1 (FAP1). Also called: POLYPOSIS, ADENOMATOUS INTESTINAL; FAMILIAL ADENOMATOUS POLYPOSIS 1, ATTENUATED. Identifiers: MedGen C2713442, MONDO:0021056, OMIM 175100. Disease mechanism: loss of function.

Allele frequency attached by ClinVar (database versions not stated): gnomAD 0.00003 and 0.00004; gnomAD exomes 0.00005; TOPMed 0.00005; ExAC 0.00006; ESP Exome Variant Server 0.00008.

Submissions (15):

PreventionGenetics, part of Exact Sciences
Classification: Uncertain significance for APC-related condition. Last evaluated: 2026-05-09. Review status: criteria provided, single submitter. Criteria: ACMG Guidelines, 2015. Collection method: clinical testing. Allele origin: germline.
Comment: The APC c.2627G>A variant is predicted to result in the amino acid substitution p.Arg876Gln. This variant has been reported in an individuals with breast cancer, kidney cancer, and myelodysplastic syndrome; all without strong evidence of causality (Table S3, Guindalini et al. 2022. PubMed ID: 35264596; Table S9, Yehia et al. 2018. PubMed ID: 29684080; Table S1, Luthra et al. 2013. PubMed ID: 24142997). This variant has also been reported in an individual with no personal or familial history of cancer (Table S2, Okawa et al. 2022. PubMed ID: 36243179). This variant is reported in 0.0086% of alleles in individuals of European (Non-Finnish) descent in gnomAD and has conflicting interpretations ranging from uncertain to benign in ClinVar (Variation ID: 221081). Although we suspect that this variant may be benign, the clinical significance of this variant is classified as uncertain at this time due to insufficient functional and genetic evidence.

Labcorp Genetics (formerly Invitae), Labcorp
Classification: Benign for Familial adenomatous polyposis 1. Last evaluated: 2026-02-03. Review status: criteria provided, single submitter. Criteria: Invitae Variant Classification Sherloc (09022015). Collection method: clinical testing. Allele origin: germline.

Center for Genomic Medicine, Rigshospitalet, Copenhagen University Hospital
Classification: Likely benign. Last evaluated: 2025-12-29. Review status: criteria provided, single submitter. Criteria: ACMG Guidelines, 2015. Collection method: clinical testing. Allele origin: germline.
Comment: Classification criteria: BS1

All of Us Research Program, National Institutes of Health
Classification: Uncertain significance for Classic or attenuated familial adenomatous polyposis. Last evaluated: 2024-08-29. Review status: criteria provided, single submitter. Criteria: ACMG Guidelines, 2015. Collection method: clinical testing. Allele origin: germline. Inheritance: Autosomal dominant inheritance. Observed: 20 variant alleles, 20 heterozygotes.
Comment: This missense variant replaces arginine with glutamine at codon 876 of the APC protein. Computational prediction suggests that this variant may not impact protein structure and function (internally defined REVEL score threshold <= 0.5, PMID: 27666373). To our knowledge, functional studies have not been reported for this variant. This variant has been reported in an individual affected with kidney cancer (PMID: 29684080) and in an individual affected with breast cancer (PMID: 35264596). This variant has been identified in 15/282206 chromosomes in the general population by the Genome Aggregation Database (gnomAD). The available evidence is insufficient to determine the role of this variant in disease conclusively. Therefore, this variant is classified as a Variant of Uncertain Significance.

This study involves interpretation of variants in research participants for the purpose of population health screening. Participant phenotype was not available at the time of variant classification. Additional details can be found in publication PMID: 35346344, PMCID: PMC8962531

GeneDx
Classification: Uncertain significance. Last evaluated: 2024-08-11. Review status: criteria provided, single submitter. Criteria: GeneDx Variant Classification Process June 2021. Collection method: clinical testing. Allele origin: germline. Affected: yes.
Comment: In silico analysis indicates that this missense variant does not alter protein structure/function; Observed in an individual with papillary renal cell carcinoma and in an individual with breast cancer (PMID: 29684080, 35264596); This variant is associated with the following publications: (PMID: 21901162, 24142997, 22895193, 35264596, 27930734, 36243179, 35534704, 29684080)

Blueprint Genetics
Classification: Uncertain significance. Last evaluated: 2024-05-23. Review status: criteria provided, single submitter. Criteria: ACMG Guidelines, 2015. Collection method: clinical testing. Allele origin: germline.

CeGaT Center for Human Genetics Tuebingen
Classification: Uncertain significance. Last evaluated: 2024-05-01. Review status: criteria provided, single submitter. Criteria: CeGaT Center For Human Genetics Tuebingen Variant Classification Criteria Version 2. Collection method: clinical testing. Allele origin: germline. Affected: yes. Observed: 2 variant alleles.

Color Diagnostics, LLC DBA Color Health
Classification: Uncertain significance for Hereditary cancer-predisposing syndrome. Last evaluated: 2024-04-10. Review status: criteria provided, single submitter. Criteria: ACMG Guidelines, 2015. Collection method: clinical testing. Allele origin: germline.
Comment: This missense variant replaces arginine with glutamine at codon 876 of the APC protein. Computational prediction suggests that this variant may not impact protein structure and function (internally defined REVEL score threshold <= 0.5, PMID: 27666373). To our knowledge, functional studies have not been reported for this variant. This variant has been reported in an individual affected with kidney cancer (PMID: 29684080) and in an individual affected with breast cancer (PMID: 35264596). This variant has been identified in 15/282206 chromosomes in the general population by the Genome Aggregation Database (gnomAD). The available evidence is insufficient to determine the role of this variant in disease conclusively. Therefore, this variant is classified as a Variant of Uncertain Significance.

Women's Health and Genetics/Laboratory Corporation of America, LabCorp
Classification: Uncertain significance. Last evaluated: 2023-12-11. Review status: criteria provided, single submitter. Criteria: LabCorp Variant Classification Summary - May 2015. Collection method: clinical testing. Allele origin: germline.
Comment: Variant summary: APC c.2627G>A (p.Arg876Gln) results in a conservative amino acid change in the encoded protein sequence. Three of five in-silico tools predict a benign effect of the variant on protein function. The variant allele was found at a frequency of 5.2e-05 in 250804 control chromosomes, predominantly at a frequency of 8e-05 within the Non-Finnish European subpopulation in the gnomAD database. The available data on variant occurrences in the general population are insufficient to allow any conclusion about variant significance. c.2627G>A has been reported in the literature in an individual(s) affected with breast cancer without strong evidence of causality (e.g. Guindalini_2022). These reports do not provide unequivocal conclusions about association of the variant with Familial Adenomatous Polyposis. To our knowledge, no experimental evidence demonstrating an impact on protein function has been reported. The following publications have been ascertained in the context of this evaluation (PMID: 27930734, 35264596, 35534704). Nine submitters have cited clinical-significance assessments for this variant to ClinVar after 2014, and classified it as uncertain significance (n=7), likely benign (n=1) or benign (n=1). Based on the evidence outlined above, the variant was classified as uncertain significance.

Quest Diagnostics Nichols Institute San Juan Capistrano
Classification: Uncertain significance. Last evaluated: 2023-06-05. Review status: criteria provided, single submitter. Criteria: Quest Diagnostics criteria. Collection method: clinical testing. Allele origin: unknown.
Comment: In the published literature, this variant has been reported in individual with breast cancer (PMID: 35264596 (2022)) and myelodysplastic syndrome (PMID: 24142997 (2013)). The frequency of this variant in the general population, 0.00014 (7/50496 chromosomes in North-Western European subpopulation (Genome Aggregation Database)), is higher than would generally be expected for pathogenic variants in this gene. Analysis of this variant using bioinformatics tools for the prediction of the effect of amino acid changes on protein structure and function yielded predictions that this variant is benign. Based on the available information, we are unable to determine the clinical significance of this variant.

Myriad Genetics, Inc.
Classification: Uncertain significance for Familial adenomatous polyposis 1. Last evaluated: 2023-02-15. Review status: criteria provided, single submitter. Criteria: Myriad Autosomal Dominant, Autosomal Recessive and X-Linked Classification Criteria (2023). Collection method: clinical testing. Allele origin: unknown.
Comment: This variant is classified as a variant of uncertain significance as there is insufficient evidence to determine its impact on protein function and/or cancer risk.

Institute for Clinical Genetics, University Hospital TU Dresden, University Hospital TU Dresden
Classification: Uncertain significance. Last evaluated: 2021-11-03. Review status: criteria provided, single submitter. Criteria: ACMG Guidelines, 2015. Collection method: clinical testing. Allele origin: germline.

Ambry Genetics
Classification: Likely benign for Hereditary cancer-predisposing syndrome. Last evaluated: 2020-08-03. Review status: criteria provided, single submitter. Criteria: Ambry Variant Classification Scheme 2023. Collection method: clinical testing. Allele origin: germline.

Mendelics
Classification: Uncertain significance for Familial adenomatous polyposis 1. Last evaluated: 2018-07-02. Review status: criteria provided, single submitter. Criteria: Mendelics Assertion Criteria 2017. Collection method: clinical testing. Allele origin: unknown.

Counsyl
Classification: Uncertain significance for Familial adenomatous polyposis 1. Last evaluated: 2016-09-13. Review status: no assertion criteria provided. Collection method: clinical testing. Allele origin: unknown. Not counted in ClinVar's aggregate classification.

Literature cited by the submitters: PubMed 29684080 (cited by 4 submitters); PubMed 35264596 (cited by 4 submitters); PubMed 27930734 (cited by Women's Health and Genetics/Laboratory Corporation of America, LabCorp and Ambry Genetics); PubMed 35534704 (cited by Women's Health and Genetics/Laboratory Corporation of America, LabCorp); PubMed 21901162 (cited by Quest Diagnostics Nichols Institute San Juan Capistrano and Counsyl); PubMed 22895193 (cited by Quest Diagnostics Nichols Institute San Juan Capistrano); PubMed 24142997 (cited by Quest Diagnostics Nichols Institute San Juan Capistrano).